The following is an entry in ClinVar:

NM_014845.6(FIG4):c.1373dup (p.Leu458fs)

Gene: FIG4 (FIG4 phosphoinositide 5-phosphatase; plus strand). Cytogenetic location: 6q21.
Variant type: Duplication.
Coding change: c.1373dup on transcript NM_014845.6 (MANE Select); coding-DNA position 1373, one base duplicated (T; older notation c.1373dupT).
Protein change: p.Leu458fs; shifts the reading frame from leucine 458.
Molecular consequence: frameshift variant.
Genome position (GRCh38, 1-based): chr6:109,762,192, T duplicated; the last of 4 consecutive T bases (chr6:109,762,189-109,762,192); duplicating any one gives the same sequence. VCF-style (leftmost placement, unchanged base first): chr6-109762188-A-AT. GRCh37 (hg19) VCF-style: chr6-110083391-A-AT.
Other names: c.1373dupT (NM_014845.5); short protein forms L458fs.
Identifiers: ClinVar variation 419553 (VCV000419553.21), dbSNP rs770043095, ClinGen allele CA3956048.
Genomic context (GRCh38, chr6:109,762,188, plus strand): 5'-GCAGAAAGTGTGGTGAAGAAAACAGGTTTCTTTGTAAACCGCCCTGATTCTTACTGTAGC[A>AT]TTTTGCGGCCAGATGAAAAGTATGTATGGTATTTTAAAACTTATAATAAATGATGATTTT-3'

ClinVar aggregate classification (germline): Pathogenic. Review status: criteria provided, multiple submitters, no conflicts (2 of 4 stars). 7 submissions from 7 submitters: Pathogenic (5). 2 of the submissions do not count toward it. Last evaluated 2025-05-11.

Conditions:
FIG4-related disorder. Also called: FIG4-related condition; FIG4-related disorders.
Charcot-Marie-Tooth disease. Also called: Charcot-Marie-Tooth Neuropathy; Charcot-Marie-Tooth Hereditary Neuropathy. Identifiers: Orphanet 166, MedGen C0007959, MONDO:0015626.
Charcot-Marie-Tooth disease type 4J (CMT4J). Also called: Charcot-Marie-Tooth Neuropathy Type 4J; CHARCOT-MARIE-TOOTH DISEASE, AUTOSOMAL RECESSIVE, TYPE 4J; CHARCOT-MARIE-TOOTH DISEASE, DEMYELINATING, TYPE 4J. Identifiers: Orphanet 139515, MedGen C1970011, MONDO:0012640, OMIM 611228.
Inborn genetic diseases. Identifiers: MedGen C0950123, MeSH D030342.
Charcot-Marie-Tooth disease type 4. Also called: Charcot-Marie-Tooth disease, type IV; Charcot-Marie-Tooth, Type 4. Identifiers: Orphanet 64749, MedGen C4082197, MONDO:0018995.

Submissions (7):

Labcorp Genetics (formerly Invitae), Labcorp
Classification: Pathogenic for Charcot-Marie-Tooth disease type 4. Last evaluated: 2025-05-11. Review status: criteria provided, single submitter. Criteria: Invitae Variant Classification Sherloc (09022015). Collection method: clinical testing. Allele origin: germline.
Comment: This sequence change creates a premature translational stop signal (p.Leu458Phefs*5) in the FIG4 gene. It is expected to result in an absent or disrupted protein product. Loss-of-function variants in FIG4 are known to be pathogenic (PMID: 23623387, 30740813). This variant is present in population databases (rs770043095, gnomAD 0.005%). This premature translational stop signal has been observed in individual(s) with Charcot-Marie-Tooth disease (PMID: 21705420). In at least one individual the data is consistent with being in trans (on the opposite chromosome) from a pathogenic variant. This variant is also known as c.1370insT. ClinVar contains an entry for this variant (Variation ID: 419553). For these reasons, this variant has been classified as Pathogenic.

Blueprint Genetics
Classification: Pathogenic for FIG4-related disorders. Last evaluated: 2024-08-09. Review status: criteria provided, single submitter. Criteria: ACMG Guidelines, 2015. Collection method: clinical testing. Allele origin: germline. Affected: yes. Observed: 5 variant alleles.

GeneDx
Classification: Pathogenic. Last evaluated: 2024-01-26. Review status: criteria provided, single submitter. Criteria: GeneDx Variant Classification Process June 2021. Collection method: clinical testing. Allele origin: germline. Affected: yes.
Comment: Frameshift variant predicted to result in protein truncation or nonsense mediated decay in a gene for which loss-of-function is a known mechanism of disease; Not observed at a significant frequency in large population cohorts (gnomAD); This variant is associated with the following publications: (PMID: 32376792, 29518270, 21705420)

Revvity Omics, Revvity
Classification: Pathogenic. Last evaluated: 2021-10-15. Review status: criteria provided, single submitter. Criteria: ACMG Guidelines, 2015. Collection method: clinical testing. Allele origin: germline.

Ambry Genetics
Classification: Pathogenic for Inborn genetic diseases. Last evaluated: 2020-09-15. Review status: criteria provided, single submitter. Criteria: Ambry Variant Classification Scheme 2023. Collection method: clinical testing. Allele origin: germline.
Comment: The c.1373dupT pathogenic mutation, located in coding exon 12 of the FIG4 gene, results from a duplication of T at nucleotide position 1373, causing a translational frameshift with a predicted alternate stop codon (p.L458Ffs*5). This variant has been detected in the compound heterozygous state with another alteration in FIG4, p.I41T (c.122T>C), in multiple individuals with Charcot-Marie-Tooth disease type 4J (CMT4J) (Nicholson G et al. Brain, 2011 Jul;134:1959-71; Hu B et al. Ann. Neurol., 2018 04;83:756-770). Functional studies suggest that the FIG4 c.1373dupT alteration may lead to deficient protein function (Hu B et al. Ann. Neurol., 2018 04;83:756-770; Shisheva A et al. Mol. Neurobiol., 2019 Dec;56:8656-8667). In addition to the clinical data presented in the literature, this alteration is expected to result in loss of function by premature protein truncation or nonsense-mediated mRNA decay. As such, this alteration is interpreted as a disease-causing mutation.

Inherited Neuropathy Consortium Ii, University Of Miami
Classification: Uncertain significance for Charcot-Marie-Tooth disease type 4J. Last evaluated: 2019-05-24. Review status: no assertion criteria provided. Collection method: literature only. Allele origin: germline. Affected: yes. Not counted in ClinVar's aggregate classification.

Inherited Neuropathy Consortium
Classification: Uncertain significance for Charcot-Marie-Tooth disease. Review status: no assertion criteria provided. Collection method: literature only. Allele origin: germline. Affected: yes. Not counted in ClinVar's aggregate classification.

Literature cited by the submitters: PubMed 23623387 (cited by Labcorp Genetics (formerly Invitae), Labcorp); PubMed 30740813 (cited by Labcorp Genetics (formerly Invitae), Labcorp); PubMed 21705420 (cited by 4 submitters); PubMed 29518270 (cited by Ambry Genetics); PubMed 31313076 (cited by Ambry Genetics).